The following is an entry in ClinVar:

NM_001365068.1(ASTN2):c.2522-3C>T

Gene: ASTN2 (astrotactin 2; minus strand). Cytogenetic location: 9q33.1.
Variant type: single nucleotide variant.
Coding change: c.2522-3C>T on transcript NM_001365068.1 (MANE Select); 3 bases into the intron before coding-DNA position 2522, C replaced by T.
Molecular consequence: intron variant.
Genome position (GRCh38, 1-based): chr9:116,729,099, G>A on the plus strand (C>T on the coding strand, the complement: ASTN2 is on the minus strand). VCF-style: chr9-116729099-G-A. GRCh37 (hg19) VCF-style: chr9-119491378-G-A.
Other names: NC_000009.11:g.119491378G>A; c.2369-3C>T (NM_014010.5); c.2510-3C>T (NM_001365069.1).
Identifiers: ClinVar variation 3037418 (VCV003037418.3), dbSNP rs56283051, ClinGen allele CA5211323.
Genomic context (GRCh38, chr9:116,729,099, plus strand): 5'-CGGACCCGCCACTGCTGCACCATGGGGTAACCCATGGCCTCATCATACCTGATATCTCCT[G>A]GGAGAGAAAATAAGATGGTCACGTGAGCCCAGAATTAAGACGCTTCACACCACATTGTTC-3'

ClinVar aggregate classification (germline): Benign (0 of 4 stars; one submission).

Conditions:
ASTN2-related disorder. Also called: ASTN2-related condition.

Allele frequency attached by ClinVar (database versions not stated): gnomAD exomes 0.00428; ExAC 0.02644; gnomAD 0.04474; TOPMed 0.04936; 1000 Genomes Project 0.04972; ESP Exome Variant Server 0.04975; 1000 Genomes Project 30x 0.05434.
gnomAD v4.1: 13,205 of 1,575,526 alleles (0.84%); highest among the groups gnomAD compares: African/African-American, 16%; 952 homozygotes.

Submissions (16):

PreventionGenetics, part of Exact Sciences
Classification: Benign for ASTN2-related condition. Last evaluated: 2019-06-06. Review status: no assertion criteria provided. Collection method: clinical testing. Allele origin: germline.
Comment: This variant is classified as benign based on ACMG/AMP sequence variant interpretation guidelines (Richards et al. 2015 PMID: 25741868, with internal and published modifications).

Dr. Peter K. Rogan Lab, Western University
No classification provided (evidence only). Condition: Lung cancer. Review status: no classification provided. Collection method: in vitro. Allele origin: not applicable. Functional consequence: retained intron. Not counted in ClinVar's aggregate classification.

Dr. Peter K. Rogan Lab, Western University
No classification provided (evidence only). Condition: Acute myeloid leukemia. Review status: no classification provided. Collection method: in vitro. Allele origin: not applicable. Functional consequence: retained intron. Not counted in ClinVar's aggregate classification.

Dr. Peter K. Rogan Lab, Western University
No classification provided (evidence only). Condition: Acute myeloid leukemia. Review status: no classification provided. Collection method: in vitro. Allele origin: not applicable. Functional consequence: retained intron. Not counted in ClinVar's aggregate classification.

Dr. Peter K. Rogan Lab, Western University
No classification provided (evidence only). Condition: Acute myeloid leukemia. Review status: no classification provided. Collection method: in vitro. Allele origin: not applicable. Functional consequence: retained intron. Not counted in ClinVar's aggregate classification.

Dr. Peter K. Rogan Lab, Western University
No classification provided (evidence only). Condition: Uterine corpus endometrial carcinoma. Review status: no classification provided. Collection method: in vitro. Allele origin: not applicable. Functional consequence: retained intron. Not counted in ClinVar's aggregate classification.

Dr. Peter K. Rogan Lab, Western University
No classification provided (evidence only). Condition: Uterine corpus endometrial carcinoma. Review status: no classification provided. Collection method: in vitro. Allele origin: not applicable. Functional consequence: retained intron. Not counted in ClinVar's aggregate classification.

Dr. Peter K. Rogan Lab, Western University
No classification provided (evidence only). Condition: Uterine corpus endometrial carcinoma. Review status: no classification provided. Collection method: in vitro. Allele origin: not applicable. Functional consequence: retained intron. Not counted in ClinVar's aggregate classification.

Dr. Peter K. Rogan Lab, Western University
No classification provided (evidence only). Condition: Uterine corpus endometrial carcinoma. Review status: no classification provided. Collection method: in vitro. Allele origin: not applicable. Functional consequence: retained intron. Not counted in ClinVar's aggregate classification.

Dr. Peter K. Rogan Lab, Western University
No classification provided (evidence only). Condition: Cervical cancer. Review status: no classification provided. Collection method: in vitro. Allele origin: not applicable. Functional consequence: retained intron. Not counted in ClinVar's aggregate classification.

Dr. Peter K. Rogan Lab, Western University
No classification provided (evidence only). Condition: Cervical cancer. Review status: no classification provided. Collection method: in vitro. Allele origin: not applicable. Functional consequence: retained intron. Not counted in ClinVar's aggregate classification.

Dr. Peter K. Rogan Lab, Western University
No classification provided (evidence only). Condition: Ovarian serous cystadenocarcinoma. Review status: no classification provided. Collection method: in vitro. Allele origin: not applicable. Functional consequence: retained intron. Not counted in ClinVar's aggregate classification.

Dr. Peter K. Rogan Lab, Western University
No classification provided (evidence only). Condition: Ovarian serous cystadenocarcinoma. Review status: no classification provided. Collection method: in vitro. Allele origin: not applicable. Functional consequence: retained intron. Not counted in ClinVar's aggregate classification.

Dr. Peter K. Rogan Lab, Western University
No classification provided (evidence only). Condition: Uterine carcinosarcoma. Review status: no classification provided. Collection method: in vitro. Allele origin: not applicable. Functional consequence: retained intron. Not counted in ClinVar's aggregate classification.

Dr. Peter K. Rogan Lab, Western University
No classification provided (evidence only). Condition: Malignant tumor of esophagus. Review status: no classification provided. Collection method: in vitro. Allele origin: not applicable. Functional consequence: retained intron. Not counted in ClinVar's aggregate classification.

Dr. Peter K. Rogan Lab, Western University
No classification provided (evidence only). Condition: Malignant tumor of esophagus. Review status: no classification provided. Collection method: in vitro. Allele origin: not applicable. Functional consequence: retained intron. Not counted in ClinVar's aggregate classification.